The following is an entry in ClinVar:

NM_001164508.2(NEB):c.2437G>A (p.Glu813Lys)

Gene: NEB (nebulin; minus strand). Cytogenetic location: 2q23.3.
Variant type: single nucleotide variant.
Coding change: c.2437G>A on transcript NM_001164508.2 (MANE Select); coding-DNA position 2437, G replaced by A.
Protein change: p.Glu813Lys; replaces glutamic acid 813 with lysine.
Molecular consequence: missense variant.
Genome position (GRCh38, 1-based): chr2:151,687,712, C>T on the plus strand (G>A on the coding strand, the complement: NEB is on the minus strand). VCF-style: chr2-151687712-C-T. GRCh37 (hg19) VCF-style: chr2-152544226-C-T.
Other names: c.2437G>A, p.Glu813Lys (NM_001164507.2, NM_001271208.2, NM_004543.5); short protein forms E813K.
Identifiers: ClinVar variation 664506 (VCV000664506.4), dbSNP rs752442261, ClinGen allele CA1911218.
Genomic context (GRCh38, chr2:151,687,712, plus strand): 5'-TGGCTGCCAACAGGGGAATGGCGTCCACTTTAATGTCAAACTTCTTGGCTTTGCTCTTCT[C>T]CCAGTCTTGCTTATAAACATTCTGGACAAGAAAAATTCAGCAAAGGAATGATAAGAACAA-3'
Protein context (NP_001157980.2, residues 803-823): LSDNVYKQDW[Glu813Lys]KSKAKKFDIK

ClinVar aggregate classification (germline): Uncertain significance (1 of 4 stars; one submission).

Conditions:
Nemaline myopathy 2 (NEM2). Also called: Nemaline myopathy 2, autosomal recessive. Identifiers: MedGen C1850569, MONDO:0009725, OMIM 256030.

Allele frequency attached by ClinVar (database versions not stated): gnomAD 0.00001; gnomAD exomes 0.00001 and 0.00003; ExAC 0.00002; TOPMed below 0.00001.
gnomAD v4.1: 38 of 1,590,664 alleles (0.0024%); highest among the groups gnomAD compares: Non-Finnish European, 0.0032%; no homozygotes.

Submission:

Labcorp Genetics (formerly Invitae), Labcorp
Classification: Uncertain significance for Nemaline myopathy 2. Last evaluated: 2025-11-16. Review status: criteria provided, single submitter. Criteria: Invitae Variant Classification Sherloc (09022015). Collection method: clinical testing. Allele origin: germline.
Comment: This sequence change replaces glutamic acid, which is acidic and polar, with lysine, which is basic and polar, at codon 813 of the NEB protein (p.Glu813Lys). This variant is present in population databases (rs752442261, gnomAD 0.002%). This variant has not been reported in the literature in individuals affected with NEB-related conditions. ClinVar contains an entry for this variant (Variation ID: 664506). Experimental studies and prediction algorithms are not available or were not evaluated, and the functional significance of this variant is currently unknown. In summary, the available evidence is currently insufficient to determine the role of this variant in disease. Therefore, it has been classified as a Variant of Uncertain Significance.